The following is an entry in ClinVar:

ClinVar aggregate classification (germline): Uncertain significance (1 of 4 stars; one submission).

Allele frequency attached by ClinVar (database versions not stated): gnomAD 0.00002; TOPMed 0.00002.
gnomAD v4.1: 11 of 1,372,984 alleles (0.0008%); highest among the groups gnomAD compares: Non-Finnish European, 0.001%; no homozygotes.

Submission:

Labcorp Genetics (formerly Invitae), Labcorp
Classification: Uncertain significance. Last evaluated: 2025-12-21. Review status: criteria provided, single submitter. Criteria: Invitae Variant Classification Sherloc (09022015). Collection method: clinical testing. Allele origin: germline.
Comment: This sequence change replaces glutamine, which is neutral and polar, with glutamic acid, which is acidic and polar, at codon 34 of the FBXO11 protein (p.Gln34Glu). The frequency data for this variant in the population databases is considered unreliable, as metrics indicate poor data quality at this position in the gnomAD database. This variant has not been reported in the literature in individuals affected with FBXO11-related conditions. ClinVar contains an entry for this variant (Variation ID: 1906945). Experimental studies and prediction algorithms are not available or were not evaluated, and the functional significance of this variant is currently unknown. In summary, the available evidence is currently insufficient to determine the role of this variant in disease. Therefore, it has been classified as a Variant of Uncertain Significance.

NM_001190274.2(FBXO11):c.100C>G (p.Gln34Glu)

Genes: FBXO11 (F-box protein 11; minus strand), LOC100506235 (uncharacterized LOC100506235; plus strand). Cytogenetic location: 2p16.3.
Variant type: single nucleotide variant.
Coding change: c.100C>G on transcript NM_001190274.2 (MANE Select); coding-DNA position 100, C replaced by G.
Protein change: p.Gln34Glu; replaces glutamine 34 with glutamic acid.
Molecular consequence: missense variant. On other transcripts: non-coding transcript variant (1).
Genome position (GRCh38, 1-based): chr2:47,905,621, G>C on the plus strand (C>G on the coding strand, the complement: FBXO11 is on the minus strand). VCF-style: chr2-47905621-G-C. GRCh37 (hg19) VCF-style: chr2-48132760-G-C.
Other names: short protein forms Q34E.
Identifiers: ClinVar variation 1906945 (VCV001906945.5), dbSNP rs1428445265, ClinGen allele CA346812808.